The following is an entry in ClinVar:

ClinVar aggregate classification (germline): Uncertain significance (1 of 4 stars; one submission).

Conditions:
Long QT syndrome (LQTS). Identifiers: MedGen C0023976, MeSH D008133, MONDO:0002442. Disease mechanism: loss of function. Inheritance: Various modes of inheritance.

Submission:

Labcorp Genetics (formerly Invitae), Labcorp
Classification: Uncertain significance for Long QT syndrome. Last evaluated: 2024-12-02. Review status: criteria provided, single submitter. Criteria: Invitae Variant Classification Sherloc (09022015). Collection method: clinical testing. Allele origin: germline.
Comment: This variant, c.562_570del, results in the deletion of 3 amino acid(s) of the KCNH2 protein (p.Ala188_Ala190del), but otherwise preserves the integrity of the reading frame. This variant is present in population databases (no rsID available, gnomAD 0.009%). This variant has not been reported in the literature in individuals affected with KCNH2-related conditions. ClinVar contains an entry for this variant (Variation ID: 2197341). Experimental studies and prediction algorithms are not available or were not evaluated, and the functional significance of this variant is currently unknown. In summary, the available evidence is currently insufficient to determine the role of this variant in disease. Therefore, it has been classified as a Variant of Uncertain Significance.

NM_000238.4(KCNH2):c.562_570del (p.Ala188_Ala190del)

Gene: KCNH2 (potassium voltage-gated channel subfamily H member 2; minus strand). Cytogenetic location: 7q36.1.
Variant type: Deletion.
Coding change: c.562_570del on transcript NM_000238.4 (MANE Select); coding-DNA positions 562 to 570, 9 bases deleted (GCGGGCGCC; older notation c.562_570delGCGGGCGCC).
Protein change: p.Ala188_Ala190del.
Molecular consequence: inframe deletion. On other transcripts: inframe indel (5).
Genome position (GRCh38, 1-based): chr7:150,958,405-150,958,413, GGCGCCCGC deleted on the plus strand (GCGGGCGCC on the coding strand, the reverse complement: KCNH2 is on the minus strand); deleting any 9 consecutive bases within chr7:150,958,405-150,958,414 gives the same sequence; the c. name uses the placement nearest the transcript's 3' end. VCF-style (leftmost placement, unchanged base first): chr7-150958404-GGGCGCCCGC-G. GRCh37 (hg19) VCF-style: chr7-150655492-GGGCGCCCGC-G.
Other names: c.273_281delCGCGGGCGC, p.Ala92_Ala94del (NM_001406753.1, NM_001406756.1); c.384_392delCGCGGGCGC, p.Ala129_Ala131del (NM_001406755.1); c.261_269delCGCGGGCGC, p.Ala88_Ala90del (NM_001406757.1); c.561_569delCGCGGGCGC, p.Ala188_Ala190del (NM_172056.3).
Identifiers: ClinVar variation 2197341 (VCV002197341.4), dbSNP rs1309145286, ClinGen allele CA579075493.